The following is an entry in ClinVar:

ClinVar aggregate classification (germline): Uncertain significance (1 of 4 stars; one submission).

Conditions:
Inborn genetic diseases. Identifiers: MedGen C0950123, MeSH D030342.

Submission:

Ambry Genetics
Classification: Uncertain significance for Inborn genetic diseases. Last evaluated: 2024-12-01. Review status: criteria provided, single submitter. Criteria: Ambry Variant Classification Scheme 2023. Collection method: clinical testing. Allele origin: germline.
Comment: The p.G316E variant (also known as c.947G>A), located in coding exon 6 of the MECOM gene, results from a G to A substitution at nucleotide position 947. The glycine at codon 316 is replaced by glutamic acid, an amino acid with similar properties. This amino acid position is conserved. In addition, this alteration is predicted to be tolerated by in silico analysis. Based on the available evidence, the clinical significance of this variant remains unclear.

NM_004991.4(MECOM):c.947G>A (p.Gly316Glu)

Gene: MECOM (MDS1 and EVI1 complex locus; minus strand). Cytogenetic location: 3q26.2.
Variant type: single nucleotide variant.
Coding change: c.947G>A on transcript NM_004991.4 (MANE Select); coding-DNA position 947, G replaced by A.
Protein change: p.Gly316Glu; replaces glycine 316 with glutamic acid.
Molecular consequence: missense variant.
Genome position (GRCh38, 1-based): chr3:169,122,611, C>T on the plus strand (G>A on the coding strand, the complement: MECOM is on the minus strand). VCF-style: chr3-169122611-C-T. GRCh37 (hg19) VCF-style: chr3-168840399-C-T.
Other names: c.575G>A, p.Gly192Glu (NM_001105077.4); c.383G>A, p.Gly128Glu (NM_001105078.4, NM_001163999.2, NM_001164000.2 and 9 more transcripts); c.947G>A, p.Gly316Glu (NM_001366466.2, NM_001366473.2); short protein forms G128E, G192E, G316E.
Identifiers: ClinVar variation 3394357 (VCV003394357.1).
Genomic context (GRCh38, chr3:169,122,611, plus strand): 5'-AGGCCAAGTAGCCTACAAATTCACTGTACCTTGGCACAGTTTTCACATTCATAGTGCTTT[C>T]CACTGTCATGTGACATCTGGTGGCGAATTAAATTGGACTTCCAGTTAAATGCCTTGGGAC-3'
Protein context (NP_004982.2, residues 306-326): LIRHQMSHDS[Gly316Glu]KHYECENCAK